The following is an entry in ClinVar:

NM_001114753.3(ENG):c.1104del (p.Met368fs)

Gene: ENG (endoglin; minus strand). Cytogenetic location: 9q34.11.
Variant type: Deletion.
Coding change: c.1104del on transcript NM_001114753.3 (MANE Select); coding-DNA position 1104, one base deleted (G; older notation c.1104delG).
Protein change: p.Met368fs; shifts the reading frame from methionine 368.
Molecular consequence: frameshift variant.
Genome position (GRCh38, 1-based): chr9:127,824,334, C deleted on the plus strand (G on the coding strand, the reverse complement: ENG is on the minus strand). VCF-style (leftmost placement, unchanged base first): chr9-127824333-TC-T. GRCh37 (hg19) VCF-style: chr9-130586612-TC-T.
Other names: c.1104delG, p.Met368Ilefs (NM_000118.4, NM_001406715.1); c.558del, p.Met186fs (NM_001278138.2); short protein forms M186fs, M368fs.
Identifiers: ClinVar variation 1793310 (VCV001793310.2), dbSNP rs2539070874, ClinGen allele CA2580079619.
Genomic context (GRCh38, chr9:127,824,333, plus strand): 5'-TCCTGAGCCAGAGGGGCAGGAGTTCCCTTACCGCAACAAGCTCTTTCTTTAGTACCAGGG[TC>T]ATGGCGTCGTCGGCACACTTTGTCTGGATCAAGGACATGAGCAGCTCCGGGCTACAAGTG-3'

ClinVar aggregate classification (germline): Pathogenic (1 of 4 stars; one submission).

Conditions:
Cardiovascular phenotype. Identifiers: MedGen CN230736.

Submission:

Ambry Genetics
Classification: Pathogenic for Cardiovascular phenotype. Last evaluated: 2017-05-23. Review status: criteria provided, single submitter. Criteria: Ambry Variant Classification Scheme 2023. Collection method: clinical testing. Allele origin: germline.
Comment: The c.1104delG pathogenic mutation, located in coding exon 8 of the ENG gene, results from a deletion of one nucleotide at nucleotide position 1104, causing a translational frameshift with a predicted alternate stop codon (p.M368Ifs*5). This alteration is expected to result in loss of function by premature protein truncation or nonsense-mediated mRNA decay. As such, this alteration is interpreted as a disease-causing mutation.